The following is an entry in ClinVar:

NM_000038.6(APC):c.1409-3T>C

Gene: APC (APC regulator of Wnt signaling pathway; plus strand). Cytogenetic location: 5q22.2.
Variant type: single nucleotide variant.
Coding change: c.1409-3T>C on transcript NM_000038.6 (MANE Select); 3 bases into the intron before coding-DNA position 1409, T replaced by C.
Molecular consequence: intron variant.
Genome position (GRCh38, 1-based): chr5:112,827,105, T>C. VCF-style: chr5-112827105-T-C. GRCh37 (hg19) VCF-style: chr5-112162802-T-C.
Other names: c.1409-3T>C (NM_001354895.2, NM_001127510.3); c.1439-3T>C (NM_001354897.2); c.1136-3T>C (NM_001354902.2); c.1355-3T>C (NM_001127511.3); c.1334-3T>C (NM_001354898.2); c.1031-3T>C (NM_001354904.2); c.560-3T>C (NM_001354906.2); c.1463-3T>C (NM_001354896.2); and 5 more.
Identifiers: ClinVar variation 843936 (VCV000843936.15), dbSNP rs1554081629, ClinGen allele CA916080341.
Genomic context (GRCh38, chr5:112,827,105, plus strand): 5'-ACTTGGTACCAGTTTGTTTTATTTTAGATGATTGTCTTTTTCCTCTTGCCCTTTTTAAAT[T>C]AGGGGGACTACAGGCCATTGCAGAATTATTGCAAGTGGACTGTGAAATGTATGGGCTTAC-3'

ClinVar aggregate classification (germline): Uncertain significance. Review status: criteria provided, multiple submitters, no conflicts (2 of 4 stars). 3 submissions from 3 submitters: Uncertain significance (3). Last evaluated 2026-05-26.

Conditions:
Familial adenomatous polyposis 1 (FAP1). Also called: FAMILIAL ADENOMATOUS POLYPOSIS 1, ATTENUATED; POLYPOSIS, ADENOMATOUS INTESTINAL. Identifiers: MedGen C2713442, MONDO:0021056, OMIM 175100. Disease mechanism: loss of function.
Hereditary cancer-predisposing syndrome. Also called: Tumor predisposition; Neoplastic Syndromes, Hereditary; Hereditary neoplastic syndrome; Hereditary Cancer Syndrome. Identifiers: Orphanet 140162, MedGen C0027672, MeSH D009386, MONDO:0015356.

Submissions (3):

Ambry Genetics
Classification: Uncertain significance for Hereditary cancer-predisposing syndrome. Last evaluated: 2026-05-26. Review status: criteria provided, single submitter. Criteria: Ambry Variant Classification Scheme 2023. Collection method: clinical testing. Allele origin: germline.
Comment: The c.1409-3T>C intronic variant results from a T to C substitution 3 nucleotides upstream from coding exon 11 in the APC gene. This nucleotide position is well conserved in available vertebrate species. In silico splice site analysis predicts that this alteration will not have any significant effect on splicing. Based on the available evidence, the clinical significance of this variant remains unclear.

Labcorp Genetics (formerly Invitae), Labcorp
Classification: Uncertain significance for Familial adenomatous polyposis 1. Last evaluated: 2021-03-19. Review status: criteria provided, single submitter. Criteria: Invitae Variant Classification Sherloc (09022015). Collection method: clinical testing. Allele origin: germline.
Comment: Nucleotide substitutions within the consensus splice site are a relatively common cause of aberrant splicing (PMID: 17576681, 9536098). Algorithms developed to predict the effect of sequence changes on RNA splicing suggest that this variant is not likely to affect RNA splicing, but this prediction has not been confirmed by published transcriptional studies. This variant has not been reported in the literature in individuals with APC-related conditions. This variant is not present in population databases (ExAC no frequency). This sequence change falls in intron 11 of the APC gene. It does not directly change the encoded amino acid sequence of the APC protein, but it affects a nucleotide within the consensus splice site of the intron. In summary, the available evidence is currently insufficient to determine the role of this variant in disease. Therefore, it has been classified as a Variant of Uncertain Significance.

Color Diagnostics, LLC DBA Color Health
Classification: Uncertain significance for Hereditary cancer-predisposing syndrome. Last evaluated: 2019-12-02. Review status: criteria provided, single submitter. Criteria: ACMG Guidelines, 2015. Collection method: clinical testing. Allele origin: germline.
Comment: This variant causes a T>C nucleotide substitution at the -3 position of intron 11 of the APC gene. To our knowledge, functional studies have not been performed for this variant. This variant has not been reported in individuals affected with hereditary cancer in the literature. This variant has not been identified in the general population by the Genome Aggregation Database (gnomAD). The available evidence is insufficient to determine the role of this variant in disease conclusively. Therefore, this variant is classified as a Variant of Uncertain Significance.

Literature cited by the submitters: PubMed 17576681 (cited by Labcorp Genetics (formerly Invitae), Labcorp); PubMed 9536098 (cited by Labcorp Genetics (formerly Invitae), Labcorp).